The following is an entry in ClinVar:

NM_014141.6(CNTNAP2):c.3522A>T (p.Gly1174=)

Gene: CNTNAP2 (contactin associated protein 2; plus strand). Cytogenetic location: 7q36.1.
Variant type: single nucleotide variant.
Coding change: c.3522A>T on transcript NM_014141.6 (MANE Select); coding-DNA position 3522, A replaced by T.
Protein change: p.Gly1174=; no amino-acid change (glycine 1174 retained).
Molecular consequence: synonymous variant.
Genome position (GRCh38, 1-based): chr7:148,383,695, A>T. VCF-style: chr7-148383695-A-T. GRCh37 (hg19) VCF-style: chr7-148080787-A-T.
Other names: p.G1174G:GGA>GGT.
Identifiers: ClinVar variation 128805 (VCV000128805.55), dbSNP rs141078449, ClinGen allele CA288759.
Genomic context (GRCh38, chr7:148,383,695, plus strand): 5'-TTTTTTTCTTTTAGAAACAGGGAAAATTGACCAAGAGATTCACAAATACAACACCCCAGG[A>T]TTCACTGGTTGCCTCTCCAGAGTCCAGTTCAACCAGATCGCCCCTCTCAAGGCCGCCTTG-3'
Protein context (NP_054860.1, residues 1164-1184): DQEIHKYNTP[Gly1174=]FTGCLSRVQF

ClinVar aggregate classification (germline): Conflicting classifications of pathogenicity. Review status: criteria provided, conflicting classifications (1 of 4 stars). 10 submissions from 10 submitters: Uncertain significance (1); Benign (1); Likely benign (5). 3 of the submissions do not count toward it. Last evaluated 2026-02-02.

Conditions:
CNTNAP2-related disorder. Also called: CNTNAP2-related condition.
Inborn genetic diseases. Identifiers: MedGen C0950123, MeSH D030342.
Cortical dysplasia-focal epilepsy syndrome (PTHSL1). Also called: Pitt-Hopkins-like syndrome 1. Identifiers: Orphanet 163681, Orphanet 221150, MedGen C2750246, MONDO:0012400, OMIM 610042.

Allele frequency attached by ClinVar (database versions not stated): ExAC 0.00039; 1000 Genomes Project 0.00040; gnomAD exomes 0.00044 and 0.00074; TOPMed 0.00050; gnomAD 0.00054; 1000 Genomes Project 30x 0.00062; ESP Exome Variant Server 0.00069.
gnomAD v4.1: 1,134 of 1,614,224 alleles (0.07%); highest among the groups gnomAD compares: Non-Finnish European, 0.086%; 1 homozygote.

Submissions (10):

Labcorp Genetics (formerly Invitae), Labcorp
Classification: Likely benign for Cortical dysplasia-focal epilepsy syndrome. Last evaluated: 2026-02-02. Review status: criteria provided, single submitter. Criteria: Invitae Variant Classification Sherloc (09022015). Collection method: clinical testing. Allele origin: germline.

CeGaT Center for Human Genetics Tuebingen
Classification: Likely benign. Last evaluated: 2026-02-01. Review status: criteria provided, single submitter. Criteria: CeGaT Center For Human Genetics Tuebingen Variant Classification Criteria Version 2. Collection method: clinical testing. Allele origin: germline. Affected: yes. Observed: 5 variant alleles.
Comment: CNTNAP2: BP4, BP7

Blueprint Genetics
Classification: Likely benign. Last evaluated: 2024-10-09. Review status: criteria provided, single submitter. Criteria: ACMG Guidelines, 2015. Collection method: clinical testing. Allele origin: germline.

Ambry Genetics
Classification: Likely benign for Inborn genetic diseases. Last evaluated: 2016-04-22. Review status: criteria provided, single submitter. Criteria: Ambry Variant Classification Scheme 2023. Collection method: clinical testing. Allele origin: germline.

Eurofins Ntd Llc (ga)
Classification: Uncertain significance. Last evaluated: 2015-09-28. Review status: criteria provided, single submitter. Criteria: EGL Classification Definitions 2015. Collection method: clinical testing. Allele origin: germline. Observed: 1 variant allele, 1 heterozygote.

GeneDx
Classification: Benign. Last evaluated: 2013-12-04. Review status: criteria provided, single submitter. Criteria: GeneDx Variant Classification (06012015). Collection method: clinical testing. Allele origin: germline. Affected: yes.
Comment: This variant is considered likely benign or benign based on one or more of the following criteria: it is a conservative change, it occurs at a poorly conserved position in the protein, it is predicted to be benign by multiple in silico algorithms, and/or has population frequency not consistent with disease.

Genetic Services Laboratory, University of Chicago
Classification: Likely benign for AllHighlyPenetrant. Last evaluated: 2013-08-27. Review status: criteria provided, single submitter. Criteria: ACMG Guidelines, 2007. Collection method: clinical testing. Allele origin: germline. Inheritance: Autosomal recessive inheritance.

PreventionGenetics, part of Exact Sciences
Classification: Likely benign for CNTNAP2-related condition. Last evaluated: 2020-01-28. Review status: no assertion criteria provided. Collection method: clinical testing. Allele origin: germline. Not counted in ClinVar's aggregate classification.
Comment: This variant is classified as likely benign based on ACMG/AMP sequence variant interpretation guidelines (Richards et al. 2015 PMID: 25741868, with internal and published modifications).

Clinical Genetics DNA and cytogenetics Diagnostics Lab, Erasmus MC, Erasmus Medical Center
Classification: Likely benign. Review status: no assertion criteria provided. Collection method: clinical testing. Allele origin: germline. Affected: yes. Study: VKGL Data-share Consensus. Not counted in ClinVar's aggregate classification.

Genome Diagnostics Laboratory, University Medical Center Utrecht
Classification: Likely benign. Review status: no assertion criteria provided. Collection method: clinical testing. Allele origin: germline. Affected: yes. Study: VKGL Data-share Consensus. Not counted in ClinVar's aggregate classification.